The following is an entry in ClinVar:

ClinVar aggregate classification (germline): Likely pathogenic (1 of 4 stars; one submission).

gnomAD v4.1: 11 of 1,530,078 alleles (0.00072%); highest among the groups gnomAD compares: Non-Finnish European, 0.00099%; no homozygotes.

Submission:

Labcorp Genetics (formerly Invitae), Labcorp
Classification: Likely pathogenic. Last evaluated: 2024-06-21. Review status: criteria provided, single submitter. Criteria: Invitae Variant Classification Sherloc (09022015). Collection method: clinical testing. Allele origin: germline.
Comment: This sequence change affects a donor splice site in intron 36 of the SI gene. It is expected to disrupt RNA splicing. Variants that disrupt the donor or acceptor splice site typically lead to a loss of protein function (PMID: 16199547), and loss-of-function variants in SI are known to be pathogenic (PMID: 16329100, 23103650, 25452324). The frequency data for this variant in the population databases is considered unreliable, as metrics indicate poor data quality at this position in the gnomAD database. This variant has not been reported in the literature in individuals affected with SI-related conditions. Algorithms developed to predict the effect of sequence changes on RNA splicing suggest that this variant may disrupt the consensus splice site. In summary, the currently available evidence indicates that the variant is pathogenic, but additional data are needed to prove that conclusively. Therefore, this variant has been classified as Likely Pathogenic.

Literature cited by the submitters: PubMed 16199547; PubMed 16329100; PubMed 23103650; PubMed 25452324.

NM_001041.4(SI):c.4267+1G>A

Gene: SI (sucrase-isomaltase; minus strand). Cytogenetic location: 3q26.1.
Variant type: single nucleotide variant.
Coding change: c.4267+1G>A on transcript NM_001041.4 (MANE Select); the canonical splice donor site of the intron after coding-DNA position 4267, G replaced by A.
Molecular consequence: splice donor variant.
Genome position (GRCh38, 1-based): chr3:165,007,910, C>T on the plus strand (G>A on the coding strand, the complement: SI is on the minus strand). VCF-style: chr3-165007910-C-T. GRCh37 (hg19) VCF-style: chr3-164725698-C-T.
Identifiers: ClinVar variation 3716188 (VCV003716188.2).
Genomic context (GRCh38, chr3:165,007,910, plus strand): 5'-TATACCTATTAATATATAATAATAACATGATAATATCAAAGGCATACCAACAATATTGTA[C>T]CTGGGAAATAAGGTGGATAATTTAGTTCGTCATTTCTGCATTGATTAGTAGTTGTTCCAT-3'